The following is an entry in ClinVar:

NM_004629.2(FANCG):c.1012C>G (p.Leu338Val)

Gene: FANCG (FA complementation group G; minus strand). Cytogenetic location: 9p13.3.
Variant type: single nucleotide variant.
Coding change: c.1012C>G on transcript NM_004629.2 (MANE Select); coding-DNA position 1012, C replaced by G.
Protein change: p.Leu338Val; replaces leucine 338 with valine.
Molecular consequence: missense variant.
Genome position (GRCh38, 1-based): chr9:35,076,496, G>C on the plus strand (C>G on the coding strand, the complement: FANCG is on the minus strand). VCF-style: chr9-35076496-G-C. GRCh37 (hg19) VCF-style: chr9-35076493-G-C.
Other names: short protein forms L338V.
Identifiers: ClinVar variation 4743812 (VCV004743812.1).

ClinVar aggregate classification (germline): Uncertain significance (1 of 4 stars; one submission).

Conditions:
Fanconi anemia (FA). Also called: Fanconi's anemia. Identifiers: Orphanet 84, MedGen C0015625, MeSH D005199, MONDO:0019391.

Submission:

Labcorp Genetics (formerly Invitae), Labcorp
Classification: Uncertain significance for Fanconi anemia. Last evaluated: 2025-08-26. Review status: criteria provided, single submitter. Criteria: Invitae Variant Classification Sherloc (09022015). Collection method: clinical testing. Allele origin: germline.
Comment: This sequence change replaces leucine, which is neutral and non-polar, with valine, which is neutral and non-polar, at codon 338 of the FANCG protein (p.Leu338Val). This variant is not present in population databases (gnomAD no frequency). This variant has not been reported in the literature in individuals affected with FANCG-related conditions. Invitae Evidence Modeling of protein sequence and biophysical properties (such as structural, functional, and spatial information, amino acid conservation, physicochemical variation, residue mobility, and thermodynamic stability) indicates that this missense variant is not expected to disrupt FANCG protein function with a negative predictive value of 80%. In summary, the available evidence is currently insufficient to determine the role of this variant in disease. Therefore, it has been classified as a Variant of Uncertain Significance.